The following is an entry in ClinVar:

NM_001134793.2(HYLS1):c.330A>G (p.Thr110=)

Genes: HYLS1 (HYLS1 centriolar and ciliogenesis associated; plus strand), PUS3 (pseudouridine synthase 3; minus strand). Cytogenetic location: 11q24.2.
Variant type: single nucleotide variant.
Coding change: c.330A>G on transcript NM_001134793.2 (MANE Select); coding-DNA position 330, A replaced by G.
Protein change: p.Thr110=; no amino-acid change (threonine 110 retained).
Molecular consequence: synonymous variant. On other transcripts: intron variant (2).
Genome position (GRCh38, 1-based): chr11:125,899,698, A>G. VCF-style: chr11-125899698-A-G. GRCh37 (hg19) VCF-style: chr11-125769593-A-G.
Other names: c.330A>G, p.Thr110= (NM_001377269.1, NM_001377270.1, NM_001424364.1 and 1 more transcripts); c.-247+3472T>C (NM_001271985.2); c.-46-3368T>C (NM_031307.4).
Identifiers: ClinVar variation 3390069 (VCV003390069.14).
Genomic context (GRCh38, chr11:125,899,698, plus strand): 5'-AAAGCCAGTGATGAAGAGAAAGGTGCTGCGCAGAAAGCCAGATGGGGAAGTATTAGTAAC[A>G]GATGAGTCGATTATCAGTGAATCAGAATCTGGTACAGAAAATGATCAGGATCTCTGGGAC-3'
Protein context (NP_001128265.1, residues 100-120): RRKPDGEVLV[Thr110=]DESIISESES

ClinVar aggregate classification (germline): Likely benign (1 of 4 stars; one submission).

Submission:

CeGaT Center for Human Genetics Tuebingen
Classification: Likely benign. Last evaluated: 2024-11-01. Review status: criteria provided, single submitter. Criteria: CeGaT Center For Human Genetics Tuebingen Variant Classification Criteria Version 2. Collection method: clinical testing. Allele origin: germline. Affected: yes. Observed: 1 variant allele.
Comment: HYLS1: PM2:Supporting, BP4, BP7